The following is an entry in ClinVar:

ClinVar aggregate classification (germline): Pathogenic (1 of 4 stars; one submission).

Conditions:
Gastrointestinal stromal tumor. Also called: Gastrointestinal stroma tumor; Gastrointestinal stromal tumor, somatic. Identifiers: Orphanet 44890, MedGen C0238198, MeSH D046152, MONDO:0011719, OMIM 606764, HP:0100723.
Pheochromocytoma/paraganglioma syndrome 4. Also called: CAROTID BODY TUMORS AND MULTIPLE EXTRAADRENAL PHEOCHROMOCYTOMAS; SDHB-Related Hereditary Paraganglioma-Pheochromocytoma Syndrome; PARAGANGLIOMA, FAMILIAL MALIGNANT; PARAGANGLIOMAS, HEREDITARY EXTRAADRENAL; PHEOCHROMOCYTOMA, FAMILIAL EXTRAADRENAL; Paragangliomas 4. Identifiers: Orphanet 29072, MedGen C1861848, MONDO:0007273, OMIM 115310.
Pheochromocytoma. Also called: MAX-Related Hereditary Paraganglioma-Pheochromocytoma Syndrome. Identifiers: Orphanet 29072, MedGen C0031511, MONDO:0008233, OMIM 171300, HP:0002666.

Submission:

Labcorp Genetics (formerly Invitae), Labcorp
Classification: Pathogenic for Gastrointestinal stromal tumor; Pheochromocytoma/paraganglioma syndrome 4; Pheochromocytoma. Last evaluated: 2023-11-27. Review status: criteria provided, single submitter. Criteria: Invitae Variant Classification Sherloc (09022015). Collection method: clinical testing. Allele origin: germline.
Comment: This sequence change creates a premature translational stop signal (p.Ser26Profs*51) in the SDHB gene. It is expected to result in an absent or disrupted protein product. Loss-of-function variants in SDHB are known to be pathogenic (PMID: 19454582, 19802898). This variant is not present in population databases (gnomAD no frequency). This variant has not been reported in the literature in individuals affected with SDHB-related conditions. ClinVar contains an entry for this variant (Variation ID: 1456331). For these reasons, this variant has been classified as Pathogenic.

Literature cited by the submitters: PubMed 19454582; PubMed 19802898.

NM_003000.3(SDHB):c.75del (p.Ser26fs)

Gene: SDHB (succinate dehydrogenase complex iron sulfur subunit B; minus strand). Cytogenetic location: 1p36.13.
Variant type: Deletion.
Coding change: c.75del on transcript NM_003000.3 (MANE Select); coding-DNA position 75, one base deleted (C; older notation c.75delC).
Protein change: p.Ser26fs; shifts the reading frame from serine 26.
Molecular consequence: frameshift variant.
Genome position (GRCh38, 1-based): chr1:17,044,886, G deleted on the plus strand (C on the coding strand, the reverse complement: SDHB is on the minus strand); the first of 2 consecutive G bases (chr1:17,044,886-17,044,887); deleting either gives the same sequence. VCF-style (leftmost placement, unchanged base first): chr1-17044885-AG-A. GRCh37 (hg19) VCF-style: chr1-17371380-AG-A.
Other names: short protein forms S26fs.
Identifiers: ClinVar variation 1456331 (VCV001456331.6), dbSNP rs2101541632, ClinGen allele CA2573130759.
Genomic context (GRCh38, chr1:17,044,885, plus strand): 5'-GATAGATGGCAAATTTCTTGATACGGGGAGCTGTGGCTGCAGCTGTCTGGGCTCCTCGGG[AG>A]GCCTGAAATTTTTTAAAGTTCACAAAAAGGAAAAAAAAATTAGAAATACAAGATAATTCC-3'